The following is an entry in ClinVar:

NM_000548.5(TSC2):c.3694T>G (p.Ser1232Ala)

Gene: TSC2 (TSC complex subunit 2; plus strand). Cytogenetic location: 16p13.3.
Variant type: single nucleotide variant.
Coding change: c.3694T>G on transcript NM_000548.5 (MANE Select); coding-DNA position 3694, T replaced by G.
Protein change: p.Ser1232Ala; replaces serine 1232 with alanine.
Molecular consequence: missense variant. On other transcripts: non-coding transcript variant (5).
Genome position (GRCh38, 1-based): chr16:2,081,678, T>G. VCF-style: chr16-2081678-T-G. GRCh37 (hg19) VCF-style: chr16-2131679-T-G.
Other names: c.3562T>G, p.Ser1188Ala (NM_001077183.3, NM_001370404.1, NM_001406665.1); c.3694T>G, p.Ser1232Ala (NM_001114382.3); c.3454T>G, p.Ser1152Ala (NM_001318827.2); c.3418T>G, p.Ser1140Ala (NM_001318829.2); c.2962T>G, p.Ser988Ala (NM_001318831.2, NM_001406687.1, NM_001406688.1); c.3595T>G, p.Ser1199Ala (NM_001318832.2); c.3565T>G, p.Ser1189Ala (NM_001363528.2, NM_001370405.1, NM_021055.3); c.3691T>G, p.Ser1231Ala (NM_001406663.1, NM_001406664.1); and 18 more; short protein forms S1152A, S1169A, S1184A, S1219A, S1031A, S1032A, S1140A, S1183A.
Identifiers: ClinVar variation 2626409 (VCV002626409.3), dbSNP rs2544156569, ClinGen allele CA394292505.

ClinVar aggregate classification (germline): Uncertain significance (1 of 4 stars; one submission).

Conditions:
Hereditary cancer-predisposing syndrome. Also called: Tumor predisposition; Hereditary Cancer Syndrome; Hereditary neoplastic syndrome; Neoplastic Syndromes, Hereditary. Identifiers: Orphanet 140162, MedGen C0027672, MeSH D009386, MONDO:0015356.

Submission:

Ambry Genetics
Classification: Uncertain significance for Hereditary cancer-predisposing syndrome. Last evaluated: 2025-08-27. Review status: criteria provided, single submitter. Criteria: Ambry Variant Classification Scheme 2023. Collection method: clinical testing. Allele origin: germline.
Comment: The p.S1232A variant (also known as c.3694T>G), located in coding exon 30 of the TSC2 gene, results from a T to G substitution at nucleotide position 3694. The serine at codon 1232 is replaced by alanine, an amino acid with similar properties. This amino acid position is conserved. In addition, the in silico prediction for this alteration is inconclusive. Based on the available evidence, the clinical significance of this variant remains unclear.